The following is an entry in ClinVar:

ClinVar aggregate classification (germline): Uncertain significance (1 of 4 stars; one submission).

Allele frequency attached by ClinVar (database versions not stated): gnomAD exomes below 0.00001; TOPMed below 0.00001.
gnomAD v4.1: 3 of 1,614,126 alleles (0.00019%); highest among the groups gnomAD compares: African/African-American, 0.0027%; no homozygotes.

Submission:

Labcorp Genetics (formerly Invitae), Labcorp
Classification: Uncertain significance. Last evaluated: 2022-05-26. Review status: criteria provided, single submitter. Criteria: Invitae Variant Classification Sherloc (09022015). Collection method: clinical testing. Allele origin: germline.
Comment: This sequence change replaces glutamine, which is neutral and polar, with glutamic acid, which is acidic and polar, at codon 4317 of the LRP2 protein (p.Gln4317Glu). This variant is present in population databases (no rsID available, gnomAD 0.003%). This variant has not been reported in the literature in individuals affected with LRP2-related conditions. Advanced modeling of protein sequence and biophysical properties (such as structural, functional, and spatial information, amino acid conservation, physicochemical variation, residue mobility, and thermodynamic stability) performed at Invitae indicates that this missense variant is not expected to disrupt LRP2 protein function. In summary, the available evidence is currently insufficient to determine the role of this variant in disease. Therefore, it has been classified as a Variant of Uncertain Significance.

NM_004525.3(LRP2):c.12949C>G (p.Gln4317Glu)

Gene: LRP2 (LDL receptor related protein 2; minus strand). Cytogenetic location: 2q31.1.
Variant type: single nucleotide variant.
Coding change: c.12949C>G on transcript NM_004525.3 (MANE Select); coding-DNA position 12949, C replaced by G.
Protein change: p.Gln4317Glu; replaces glutamine 4317 with glutamic acid.
Molecular consequence: missense variant.
Genome position (GRCh38, 1-based): chr2:169,145,786, G>C on the plus strand (C>G on the coding strand, the complement: LRP2 is on the minus strand). VCF-style: chr2-169145786-G-C. GRCh37 (hg19) VCF-style: chr2-170002296-G-C.
Other names: short protein forms Q4317E.
Identifiers: ClinVar variation 1974288 (VCV001974288.2), dbSNP rs1422781671, ClinGen allele CA349127210.